The following is an entry in ClinVar:

ClinVar aggregate classification (germline): Uncertain significance (1 of 4 stars; one submission).

Conditions:
Emery-Dreifuss muscular dystrophy 4, autosomal dominant (EDMD4). Also called: EMERY-DREIFUSS MUSCULAR DYSTROPHY 4 WITH VARIABLE FEATURES. Identifiers: Orphanet 261, MedGen C2751807, MONDO:0013071, OMIM 612998.
Autosomal recessive ataxia, Beauce type. Also called: Spinocerebellar ataxia, autosomal recessive 8; ATAXIA, RECESSIVE, OF BEAUCE; SYNE1-Related Autosomal Recessive Cerebellar Ataxia; SYNE1 Deficiency. Identifiers: Orphanet 88644, MedGen C1853116, MONDO:0012549, OMIM 610743.

Allele frequency attached by ClinVar (database versions not stated): TOPMed 0.00001.
gnomAD v4.1: 1 of 1,614,220 alleles (0.000062%); highest among the groups gnomAD compares: Admixed American, 0.0017%; no homozygotes.

Submission:

Labcorp Genetics (formerly Invitae), Labcorp
Classification: Uncertain significance for Emery-Dreifuss muscular dystrophy 4, autosomal dominant; Autosomal recessive ataxia, Beauce type. Last evaluated: 2024-02-20. Review status: criteria provided, single submitter. Criteria: Invitae Variant Classification Sherloc (09022015). Collection method: clinical testing. Allele origin: germline.
Comment: This sequence change replaces glutamine, which is neutral and polar, with histidine, which is basic and polar, at codon 3677 of the SYNE1 protein (p.Gln3677His). This variant is not present in population databases (gnomAD no frequency). This variant has not been reported in the literature in individuals affected with SYNE1-related conditions. Algorithms developed to predict the effect of missense changes on protein structure and function output the following: SIFT: "Not Available"; PolyPhen-2: "Benign"; Align-GVGD: "Not Available". The histidine amino acid residue is found in multiple mammalian species, which suggests that this missense change does not adversely affect protein function. In summary, the available evidence is currently insufficient to determine the role of this variant in disease. Therefore, it has been classified as a Variant of Uncertain Significance.

NM_182961.4(SYNE1):c.11076A>C (p.Gln3692His)

Gene: SYNE1 (spectrin repeat containing nuclear envelope protein 1; minus strand). Cytogenetic location: 6q25.2.
Variant type: single nucleotide variant.
Coding change: c.11076A>C on transcript NM_182961.4 (MANE Select); coding-DNA position 11076, A replaced by C.
Protein change: p.Gln3692His; replaces glutamine 3692 with histidine.
Molecular consequence: missense variant.
Genome position (GRCh38, 1-based): chr6:152,353,595, T>G on the plus strand (A>C on the coding strand, the complement: SYNE1 is on the minus strand). VCF-style: chr6-152353595-T-G. GRCh37 (hg19) VCF-style: chr6-152674730-T-G.
Other names: c.11031A>C, p.Gln3677His (NM_033071.5); short protein forms Q3677H, Q3692H.
Identifiers: ClinVar variation 2945323 (VCV002945323.3), dbSNP rs756169953, ClinGen allele CA150200444.